The following is an entry in ClinVar:

ClinVar aggregate classification (germline): Likely pathogenic (1 of 4 stars; one submission).

Conditions:
Hypertrophic cardiomyopathy 4. Also called: Familial hypertrophic cardiomyopathy 4. Identifiers: MedGen C1861862, MONDO:0007268, OMIM 115197.

Submission:

Victorian Clinical Genetics Services, Murdoch Childrens Research Institute
Classification: Likely pathogenic for Hypertrophic cardiomyopathy 4. Last evaluated: 2024-09-20. Review status: criteria provided, single submitter. Criteria: ACMG Guidelines, 2015. Collection method: clinical testing. Allele origin: germline. Inheritance: Autosomal dominant inheritance. Affected: yes.
Comment: Based on the classification scheme VCGS_Germline_v1.3.4, this variant is classified as Likely pathogenic. Following criteria are met: 0102 - Loss of function is a known mechanism of disease in this gene and is associated with hypertrophic cardiomyopathy 4 (MIM#115197). (I) 0108 - This gene is associated with both recessive and dominant disease. Dominant inheritance is frequently reported in adult onset conditions, however recessive inheritance results in a more severe early onset phenotype (OMIM). (I) 0115 - Variants in this gene are known to have variable expressivity (PMID: 32841044). (I) 0217 - Non-coding variant with known effect. RNA studies have shown that this variant creates a pseudo-exon of 74 nucleotides, which causes a frameshift, p.(Glu643Aspfs*45), that is predicted to result in nonsense-mediated decay (NMD) and loss of protein (AGHA functional evidence). (SP) 0251 - This variant is heterozygous. (I) 0301 - Variant is absent from gnomAD (both v2 and v3). (SP) 0701 - Other premature termination variants comparable to the one identified in this case have very strong previous evidence for pathogenicity. Many NMD-predicted variants in this gene have been reported as pathogenic or likely pathogenic (ClinVar). (SP) 0807 - This variant has no previous evidence of pathogenicity. (I) 0905 - No published segregation evidence has been identified for this variant. (I) 1007 - No published functional evidence has been identified for this variant. (I) 1208 - Inheritance information for this variant is not currently available in this individual. (I) Legend: (SP) - Supporting pathogenic, (I) - Information, (SB) - Supporting benign

Literature cited by the submitters: PubMed 32841044.

NM_000256.3(MYBPC3):c.1927+337G>T

Gene: MYBPC3 (myosin binding protein C3; minus strand). Cytogenetic location: 11p11.2.
Variant type: single nucleotide variant.
Coding change: c.1927+337G>T on transcript NM_000256.3 (MANE Select); 337 bases into the intron after coding-DNA position 1927, G replaced by T.
Molecular consequence: intron variant.
Genome position (GRCh38, 1-based): chr11:47,340,666, C>A on the plus strand (G>T on the coding strand, the complement: MYBPC3 is on the minus strand). VCF-style: chr11-47340666-C-A. GRCh37 (hg19) VCF-style: chr11-47362217-C-A.
Identifiers: ClinVar variation 3376667 (VCV003376667.1).
Genomic context (GRCh38, chr11:47,340,666, plus strand): 5'-GCAGTGAGCCGAGATCGCGCCACTTCTCTCCAGCGTGGGCGACAGAGGGAGACTCCGTCT[C>A]AAAAAAAATAAAAATAAAAAAAAAGGAAGAAGAAGAAAAGATGTAATAATAACAGTCACA-3'